The following is an entry in ClinVar:

NC_000011.9:g.(?_116662282)_(116708103_?)dup

Genes: APOA1 (apolipoprotein A1; minus strand), APOA4 (apolipoprotein A4; minus strand), APOA5 (apolipoprotein A5; minus strand), APOC3 (apolipoprotein C3; plus strand). Cytogenetic location: 11q23.3.
Variant type: Duplication.
Identifiers: ClinVar variation 3244707 (VCV003244707.1).

ClinVar aggregate classification (germline): Uncertain significance (1 of 4 stars; one submission).

Submission:

Labcorp Genetics (formerly Invitae), Labcorp
Classification: Uncertain significance. Last evaluated: 2023-12-27. Review status: criteria provided, single submitter. Criteria: Invitae Variant Classification Sherloc (09022015). Collection method: clinical testing. Allele origin: unknown.
Comment: A copy number gain of the genomic region encompassing the full coding sequence of the APOA1 gene has been identified. The boundaries of this event are unknown as they extend beyond the assayed region for this gene and therefore may encompass additional genes. As the precise location of this event is unknown, it may be in tandem or it may be located elsewhere in the genome. This variant has not been reported in the literature in individuals affected with APOA1-related conditions. In summary, the available evidence is currently insufficient to determine the role of this variant in disease. Therefore, it has been classified as a Variant of Uncertain Significance.